The following is an entry in ClinVar:

NM_021813.4(BACH2):c.462G>C (p.Glu154Asp)

Gene: BACH2 (BACH transcriptional regulator 2; minus strand). Cytogenetic location: 6q15.
Variant type: single nucleotide variant.
Coding change: c.462G>C on transcript NM_021813.4 (MANE Select); coding-DNA position 462, G replaced by C.
Protein change: p.Glu154Asp; replaces glutamic acid 154 with aspartic acid.
Molecular consequence: missense variant.
Genome position (GRCh38, 1-based): chr6:89,951,644, C>G on the plus strand (G>C on the coding strand, the complement: BACH2 is on the minus strand). VCF-style: chr6-89951644-C-G. GRCh37 (hg19) VCF-style: chr6-90661363-C-G.
Other names: c.462G>C, p.Glu154Asp (NM_001170794.2); short protein forms E154D.
Identifiers: ClinVar variation 4764264 (VCV004764264.1).
Genomic context (GRCh38, chr6:89,951,644, plus strand): 5'-CTCTGAATCCATCGTCTCCTCCTCTTCATCCTCCTCCTCTCCTGCAGAGTTCTCGCAGTC[C>G]TCGTGTGGGCGCTGGCACGCAGCATCCTTCCGGCACACAAACAGGCCATCCTCACTGTTC-3'
Protein context (NP_068585.1, residues 144-164): RKDAACQRPH[Glu154Asp]DCENSAGEEE

ClinVar aggregate classification (germline): Uncertain significance (1 of 4 stars; one submission).

Submission:

Labcorp Genetics (formerly Invitae), Labcorp
Classification: Uncertain significance. Last evaluated: 2025-10-01. Review status: criteria provided, single submitter. Criteria: Invitae Variant Classification Sherloc (09022015). Collection method: clinical testing. Allele origin: germline.
Comment: This sequence change replaces glutamic acid, which is acidic and polar, with aspartic acid, which is acidic and polar, at codon 154 of the BACH2 protein (p.Glu154Asp). This variant is not present in population databases (gnomAD no frequency). This variant has not been reported in the literature in individuals affected with BACH2-related conditions. Invitae Evidence Modeling of protein sequence and biophysical properties (such as structural, functional, and spatial information, amino acid conservation, physicochemical variation, residue mobility, and thermodynamic stability) indicates that this missense variant is not expected to disrupt BACH2 protein function with a negative predictive value of 80%. In summary, the available evidence is currently insufficient to determine the role of this variant in disease. Therefore, it has been classified as a Variant of Uncertain Significance.